The following is an entry in ClinVar:

ClinVar aggregate classification (somatic clinical impact): Tier I - Strong (1 of 4 stars; one submission).

Conditions:
Schwannoma. Identifiers: Orphanet 252164, MedGen C0027809, MONDO:0002546, HP:0100008.

Submission:

Institute for Genomic Medicine (IGM) Clinical Laboratory, Nationwide Children's Hospital
Classification: Tier I - Strong for Schwannoma. Assertion type: diagnostic. Clinical significance: supports diagnosis. Last evaluated: 2025-02-06. Review status: criteria provided, single submitter. Criteria: AMP/ASCO/CAP Guidelines, 2017. Collection method: clinical testing. Allele origin: somatic. Affected: yes.
Comment: Variant has Tier I (strong) clinical significance as a diagnostic inclusion criterion in schwannoma, based on the following evidence: 1) Appears in one or more well-established professional guidelines (e.g., World Health Organization [WHO]; National Comprehensive Cancer Network [NCCN]) as providing diagnostic, prognostic, or therapeutic information. 2) Diagnostic for a specific tumor type/classification based on well-powered studies with expert-level consensus (Evidence Level B; PMIDs: 18072270, 18285426, 22434358, 28368924).

Literature cited by the submitters: PubMed 18072270; PubMed 18285426; PubMed 22434358; PubMed 28368924.

NM_003073.5(SMARCB1):c.918_926del (p.Glu306_Thr309delinsAsp)

Gene: SMARCB1 (SWI/SNF related BAF chromatin remodeling complex subunit B1; plus strand). Cytogenetic location: 22q11.23.
Variant type: Deletion.
Coding change: c.918_926del on transcript NM_003073.5 (MANE Select); coding-DNA positions 918 to 926, 9 bases deleted (GTTTGTCAC; older notation c.918_926delGTTTGTCAC).
Protein change: p.Glu306_Thr309delinsAsp.
Molecular consequence: inframe indel.
Genome position (GRCh38, 1-based): chr22:23,825,347-23,825,355, GTTTGTCAC deleted. VCF-style (leftmost placement, unchanged base first): chr22-23825346-AGTTTGTCAC-A. GRCh37 (hg19) VCF-style: chr22-24167533-AGTTTGTCAC-A.
Other names: c.891_899del, p.Glu297_Thr300delinsAsp (NM_001007468.3); c.945_953del, p.Glu315_Thr318delinsAsp (NM_001317946.2); c.972_980del, p.Glu324_Thr327delinsAsp (NM_001362877.2).
Identifiers: ClinVar variation 4530289 (VCV004530289.1).